The following is an entry in ClinVar:

NM_020964.3(EPG5):c.3559A>T (p.Lys1187Ter)

Gene: EPG5 (ectopic P-granules 5 autophagy tethering factor; minus strand). Cytogenetic location: 18q21.1.
Variant type: single nucleotide variant.
Coding change: c.3559A>T on transcript NM_020964.3 (MANE Select); coding-DNA position 3559, A replaced by T.
Protein change: p.Lys1187Ter; replaces lysine 1187 with a stop codon.
Molecular consequence: nonsense.
Genome position (GRCh38, 1-based): chr18:45,916,032, T>A on the plus strand (A>T on the coding strand, the complement: EPG5 is on the minus strand). VCF-style: chr18-45916032-T-A. GRCh37 (hg19) VCF-style: chr18-43495997-T-A.
Other names: c.3559A>T, p.Lys1187Ter (NM_001410858.1, NM_001410859.1); short protein forms K1187*.
Identifiers: ClinVar variation 2633668 (VCV002633668.1), dbSNP rs746074230, ClinGen allele CA402342090.

ClinVar aggregate classification (germline): Likely pathogenic (1 of 4 stars; one submission).

Conditions:
EPG5-related disorder. Also called: EPG5-related condition. Identifiers: MedGen CN381528.

Submission:

PreventionGenetics, part of Exact Sciences
Classification: Likely pathogenic for EPG5-related condition. Last evaluated: 2023-04-05. Review status: criteria provided, single submitter. Criteria: ACMG Guidelines, 2015. Collection method: clinical testing. Allele origin: germline.
Comment: The EPG5 c.3559A>T variant is predicted to result in premature protein termination (p.Lys1187*). To our knowledge, this variant has not been reported in the literature or in a large population database, indicating this variant is rare. Nonsense variants in EPG5 are expected to be pathogenic. This variant is interpreted as likely pathogenic.